The following is an entry in ClinVar:

NM_001379081.2(FREM1):c.2224C>T (p.Pro742Ser)

Gene: FREM1 (FRAS1 related extracellular matrix 1; minus strand). Cytogenetic location: 9p22.3.
Variant type: single nucleotide variant.
Coding change: c.2224C>T on transcript NM_001379081.2 (MANE Select); coding-DNA position 2224, C replaced by T.
Protein change: p.Pro742Ser; replaces proline 742 with serine.
Molecular consequence: missense variant. On other transcripts: non-coding transcript variant (2).
Genome position (GRCh38, 1-based): chr9:14,823,273, G>A on the plus strand (C>T on the coding strand, the complement: FREM1 is on the minus strand). VCF-style: chr9-14823273-G-A. GRCh37 (hg19) VCF-style: chr9-14823271-G-A.
Other names: c.2224C>T, p.Pro742Ser (NM_144966.7); short protein forms P742S.
Identifiers: ClinVar variation 1999554 (VCV001999554.4), dbSNP rs747559553, ClinGen allele CA4990993.

ClinVar aggregate classification (germline): Uncertain significance (1 of 4 stars; one submission).

Allele frequency attached by ClinVar (database versions not stated): ExAC 0.00001.
gnomAD v4.1: 2 of 1,613,946 alleles (0.00012%); highest among the groups gnomAD compares: Non-Finnish European, 0.00017%; no homozygotes.

Submission:

Labcorp Genetics (formerly Invitae), Labcorp
Classification: Uncertain significance. Last evaluated: 2022-05-27. Review status: criteria provided, single submitter. Criteria: Invitae Variant Classification Sherloc (09022015). Collection method: clinical testing. Allele origin: germline.
Comment: Algorithms developed to predict the effect of missense changes on protein structure and function are either unavailable or do not agree on the potential impact of this missense change (SIFT: "Tolerated"; PolyPhen-2: "Probably Damaging"; Align-GVGD: "Class C0"). This variant has not been reported in the literature in individuals affected with FREM1-related conditions. This variant is present in population databases (rs747559553, gnomAD 0.002%). This sequence change replaces proline, which is neutral and non-polar, with serine, which is neutral and polar, at codon 742 of the FREM1 protein (p.Pro742Ser). In summary, the available evidence is currently insufficient to determine the role of this variant in disease. Therefore, it has been classified as a Variant of Uncertain Significance.